The following is an entry in ClinVar:

NM_178844.4(NLRC3):c.1487G>A (p.Arg496Lys)

Gene: NLRC3 (NLR family CARD domain containing 3; minus strand). Cytogenetic location: 16p13.3.
Variant type: single nucleotide variant.
Coding change: c.1487G>A on transcript NM_178844.4 (MANE Select); coding-DNA position 1487, G replaced by A.
Protein change: p.Arg496Lys; replaces arginine 496 with lysine.
Molecular consequence: missense variant. On other transcripts: non-coding transcript variant (1).
Genome position (GRCh38, 1-based): chr16:3,563,450, C>T on the plus strand (G>A on the coding strand, the complement: NLRC3 is on the minus strand). VCF-style: chr16-3563450-C-T. GRCh37 (hg19) VCF-style: chr16-3613451-C-T.
Other names: short protein forms R496K.
Identifiers: ClinVar variation 103355 (VCV000103355.5), dbSNP rs199475937, ClinGen allele CA230463.
Genomic context (GRCh38, chr16:3,563,450, plus strand): 5'-AAGCGCAGGAACACGTCCAGCCTCCCGTCCTCTGCCTGCATGGCCCGCTGGGCTGCGCTC[C>T]TGAAATGCGTGAGGAAGCCCAGCCTGGGCCAGGATACGCCGCTCTCAGTGAAGAGGTCGA-3'
Protein context (NP_849172.2, residues 486-506): WPRLGFLTHF[Arg496Lys]SAAQRAMQAE

ClinVar aggregate classification (germline): Benign. Review status: criteria provided, single submitter (1 of 4 stars). 2 submissions from 2 submitters: Benign (1). 1 of the submissions does not count toward it. Last evaluated 2017-08-03.

Allele frequency attached by ClinVar (database versions not stated): gnomAD exomes 0.00043 and 0.00079; ExAC 0.00185; 1000 Genomes Project 0.00359; gnomAD 0.00383 and 0.00413; ESP Exome Variant Server 0.00393; 1000 Genomes Project 30x 0.00453; TOPMed 0.00453.
gnomAD v4.1: 1,236 of 1,580,312 alleles (0.078%); highest among the groups gnomAD compares: African/African-American, 1.4%; 8 homozygotes.

Submissions (2):

Labcorp Genetics (formerly Invitae), Labcorp
Classification: Benign. Last evaluated: 2017-08-03. Review status: criteria provided, single submitter. Criteria: Invitae Variant Classification Sherloc (09022015). Collection method: clinical testing. Allele origin: germline.

Human Evolutionary Genetics, Institut Pasteur
No classification provided. Review status: no classification provided. Collection method: not provided. Allele origin: germline. Not counted in ClinVar's aggregate classification.
ClinVar note: Converted during submission from untested to not provided.